The following is an entry in ClinVar:

NM_000260.4(MYO7A):c.2099A>G (p.Asp700Gly)

Gene: MYO7A (myosin VIIA; plus strand). Cytogenetic location: 11q13.5.
Variant type: single nucleotide variant.
Coding change: c.2099A>G on transcript NM_000260.4 (MANE Select); coding-DNA position 2099, A replaced by G.
Protein change: p.Asp700Gly; replaces aspartic acid 700 with glycine.
Molecular consequence: missense variant.
Genome position (GRCh38, 1-based): chr11:77,175,376, A>G. VCF-style: chr11-77175376-A-G. GRCh37 (hg19) VCF-style: chr11-76886422-A-G.
Other names: c.2099A>G, p.Asp700Gly (NM_001127180.2); c.2066A>G, p.Asp689Gly (NM_001369365.1); short protein forms D689G, D700G.
Identifiers: ClinVar variation 2716622 (VCV002716622.3), dbSNP rs1591352917, ClinGen allele CA381939608.

ClinVar aggregate classification (germline): Uncertain significance (1 of 4 stars; one submission).

Submission:

Labcorp Genetics (formerly Invitae), Labcorp
Classification: Uncertain significance. Last evaluated: 2023-06-15. Review status: criteria provided, single submitter. Criteria: Invitae Variant Classification Sherloc (09022015). Collection method: clinical testing. Allele origin: germline.
Comment: Advanced modeling of protein sequence and biophysical properties (such as structural, functional, and spatial information, amino acid conservation, physicochemical variation, residue mobility, and thermodynamic stability) performed at Invitae indicates that this missense variant is not expected to disrupt MYO7A protein function. This variant has not been reported in the literature in individuals affected with MYO7A-related conditions. This variant is not present in population databases (gnomAD no frequency). This sequence change replaces aspartic acid, which is acidic and polar, with glycine, which is neutral and non-polar, at codon 700 of the MYO7A protein (p.Asp700Gly). In summary, the available evidence is currently insufficient to determine the role of this variant in disease. Therefore, it has been classified as a Variant of Uncertain Significance.